The following is an entry in ClinVar:

NM_152713.5(STT3A):c.1832A>G (p.His611Arg)

Gene: STT3A (STT3 oligosaccharyltransferase complex catalytic subunit A; plus strand). Cytogenetic location: 11q24.2.
Variant type: single nucleotide variant.
Coding change: c.1832A>G on transcript NM_152713.5 (MANE Select); coding-DNA position 1832, A replaced by G.
Protein change: p.His611Arg; replaces histidine 611 with arginine.
Molecular consequence: missense variant.
Genome position (GRCh38, 1-based): chr11:125,618,430, A>G. VCF-style: chr11-125618430-A-G. GRCh37 (hg19) VCF-style: chr11-125488325-A-G.
Other names: c.1832A>G, p.His611Arg (NM_001278503.2); c.1556A>G, p.His519Arg (NM_001278504.2); short protein forms H611R, H519R.
Identifiers: ClinVar variation 3660530 (VCV003660530.2).

ClinVar aggregate classification (germline): Uncertain significance (1 of 4 stars; one submission).

gnomAD v4.1: 1 of 1,613,778 alleles (0.000062%); highest among the groups gnomAD compares: Non-Finnish European, 0.000085%; no homozygotes.

Submission:

Labcorp Genetics (formerly Invitae), Labcorp
Classification: Uncertain significance. Last evaluated: 2024-10-08. Review status: criteria provided, single submitter. Criteria: Invitae Variant Classification Sherloc (09022015). Collection method: clinical testing. Allele origin: germline.
Comment: This sequence change replaces histidine, which is basic and polar, with arginine, which is basic and polar, at codon 611 of the STT3A protein (p.His611Arg). This variant is not present in population databases (gnomAD no frequency). This variant has not been reported in the literature in individuals affected with STT3A-related conditions. An algorithm developed to predict the effect of missense changes on protein structure and function (PolyPhen-2) suggests that this variant is likely to be disruptive. In summary, the available evidence is currently insufficient to determine the role of this variant in disease. Therefore, it has been classified as a Variant of Uncertain Significance.